The following is an entry in ClinVar:

NM_001378454.1(ALMS1):c.1336A>T (p.Lys446Ter)

Gene: ALMS1 (ALMS1 centrosome and basal body associated protein; plus strand). Cytogenetic location: 2p13.1.
Variant type: single nucleotide variant.
Coding change: c.1336A>T on transcript NM_001378454.1 (MANE Select); coding-DNA position 1336, A replaced by T.
Protein change: p.Lys446Ter; replaces lysine 446 with a stop codon.
Molecular consequence: nonsense.
Genome position (GRCh38, 1-based): chr2:73,426,551, A>T. VCF-style: chr2-73426551-A-T. GRCh37 (hg19) VCF-style: chr2-73653679-A-T.
Other names: c.1339A>T, p.Lys447Ter (NM_015120.4); short protein forms K446*, K447*.
Identifiers: ClinVar variation 1726311 (VCV001726311.2), dbSNP rs2466053151, ClinGen allele CA347262021.

ClinVar aggregate classification (germline): Likely pathogenic (1 of 4 stars; one submission).

Conditions:
Alstrom syndrome (ALMS). Identifiers: Orphanet 64, MedGen C0268425, MONDO:0008763, OMIM 203800.

Submission:

Myriad Genetics, Inc.
Classification: Likely pathogenic for Alstrom syndrome. Last evaluated: 2022-01-02. Review status: criteria provided, single submitter. Criteria: Myriad Women's Health Autosomal Recessive and X-Linked Classification Criteria (2021). Collection method: clinical testing. Allele origin: unknown.
Comment: NM_015120.4(ALMS1):c.1339A>T(K447*) is expected to be pathogenic in the context of Alstrom syndrome. This variant is predicted to lead to an abnormal or absent protein product due to the creation of a premature termination codon in ALMS1, a gene where loss-of-function variants are known to be pathogenic. Please note: this variant was assessed in the context of healthy population screening.